The following is an entry in ClinVar:

NM_001429.4(EP300):c.4807G>A (p.Gly1603Ser)

Gene: EP300 (EP300 lysine acetyltransferase; plus strand). Cytogenetic location: 22q13.2.
Variant type: single nucleotide variant.
Coding change: c.4807G>A on transcript NM_001429.4 (MANE Select); coding-DNA position 4807, G replaced by A.
Protein change: p.Gly1603Ser; replaces glycine 1603 with serine.
Molecular consequence: missense variant.
Genome position (GRCh38, 1-based): chr22:41,176,274, G>A. VCF-style: chr22-41176274-G-A. GRCh37 (hg19) VCF-style: chr22-41572278-G-A.
Other names: c.4729G>A, p.Gly1577Ser (NM_001362843.2); short protein forms G1577S, G1603S.
Identifiers: ClinVar variation 3348510 (VCV003348510.2).

ClinVar aggregate classification (germline): Uncertain significance (1 of 4 stars; one submission).

Conditions:
EP300-related disorder. Also called: EP300-related condition; EP300-related disorders.

Submission:

PreventionGenetics, part of Exact Sciences
Classification: Uncertain significance for EP300-related condition. Last evaluated: 2026-03-09. Review status: criteria provided, single submitter. Criteria: ACMG Guidelines, 2015. Collection method: clinical testing. Allele origin: germline.
Comment: The EP300 c.4807G>A variant is predicted to result in the amino acid substitution p.Gly1603Ser. To our knowledge, this variant has not been reported in the literature or in a large population database (gnomAD), indicating this variant is rare. At this time, the clinical significance of this variant is uncertain due to the absence of conclusive functional and genetic evidence.